The following is an entry in ClinVar:

NM_172362.3(KCNH1):c.2340C>A (p.His780Gln)

Gene: KCNH1 (potassium voltage-gated channel subfamily H member 1; minus strand). Cytogenetic location: 1q32.2.
Variant type: single nucleotide variant.
Coding change: c.2340C>A on transcript NM_172362.3 (MANE Select); coding-DNA position 2340, C replaced by A.
Protein change: p.His780Gln; replaces histidine 780 with glutamine.
Molecular consequence: missense variant.
Genome position (GRCh38, 1-based): chr1:210,683,911, G>T on the plus strand (C>A on the coding strand, the complement: KCNH1 is on the minus strand). VCF-style: chr1-210683911-G-T. GRCh37 (hg19) VCF-style: chr1-210857253-G-T.
Other names: c.2259C>A, p.His753Gln (NM_002238.4); short protein forms H753Q, H780Q.
Identifiers: ClinVar variation 2760859 (VCV002760859.3), dbSNP rs2546370781, ClinGen allele CA344871372.

ClinVar aggregate classification (germline): Uncertain significance (1 of 4 stars; one submission).

Submission:

Labcorp Genetics (formerly Invitae), Labcorp
Classification: Uncertain significance. Last evaluated: 2023-09-15. Review status: criteria provided, single submitter. Criteria: Invitae Variant Classification Sherloc (09022015). Collection method: clinical testing. Allele origin: germline.
Comment: This variant is not present in population databases (gnomAD no frequency). In summary, the available evidence is currently insufficient to determine the role of this variant in disease. Therefore, it has been classified as a Variant of Uncertain Significance. Advanced modeling of protein sequence and biophysical properties (such as structural, functional, and spatial information, amino acid conservation, physicochemical variation, residue mobility, and thermodynamic stability) performed at Invitae indicates that this missense variant is not expected to disrupt KCNH1 protein function. This variant has not been reported in the literature in individuals affected with KCNH1-related conditions. This sequence change replaces histidine, which is basic and polar, with glutamine, which is neutral and polar, at codon 780 of the KCNH1 protein (p.His780Gln).